The following is an entry in ClinVar:

NM_001164665.2(KIAA1549):c.5578G>A (p.Glu1860Lys)

Gene: KIAA1549 (KIAA1549; minus strand). Cytogenetic location: 7q34.
Variant type: single nucleotide variant.
Coding change: c.5578G>A on transcript NM_001164665.2 (MANE Select); coding-DNA position 5578, G replaced by A.
Protein change: p.Glu1860Lys; replaces glutamic acid 1860 with lysine.
Molecular consequence: missense variant.
Genome position (GRCh38, 1-based): chr7:138,840,153, C>T on the plus strand (G>A on the coding strand, the complement: KIAA1549 is on the minus strand). VCF-style: chr7-138840153-C-T. GRCh37 (hg19) VCF-style: chr7-138524898-C-T.
Other names: c.5578G>A, p.Glu1860Lys (NM_020910.3); c.5578G>A (NM_001164665.1); short protein forms E1860K.
Identifiers: ClinVar variation 1345050 (VCV001345050.9), dbSNP rs373881826, ClinGen allele CA4505518.

ClinVar aggregate classification (germline): Uncertain significance. Review status: criteria provided, multiple submitters, no conflicts (2 of 4 stars). 2 submissions from 2 submitters: Uncertain significance (2). Last evaluated 2025-01-09.

Conditions:
Inborn genetic diseases. Identifiers: MedGen C0950123, MeSH D030342.

Allele frequency attached by ClinVar (database versions not stated): gnomAD 0.00002 and 0.00003; gnomAD exomes 0.00002 and 0.00004; TOPMed 0.00003; ESP Exome Variant Server 0.00008; ExAC 0.00013.
gnomAD v4.1: 31 of 1,553,000 alleles (0.002%); highest among the groups gnomAD compares: South Asian, 0.015%; 1 homozygote.

Submissions (2):

Ambry Genetics
Classification: Uncertain significance for Inborn genetic diseases. Last evaluated: 2025-01-09. Review status: criteria provided, single submitter. Criteria: Ambry Variant Classification Scheme 2023. Collection method: clinical testing. Allele origin: germline.

Labcorp Genetics (formerly Invitae), Labcorp
Classification: Uncertain significance. Last evaluated: 2022-08-09. Review status: criteria provided, single submitter. Criteria: Invitae Variant Classification Sherloc (09022015). Collection method: clinical testing. Allele origin: germline.
Comment: In summary, the available evidence is currently insufficient to determine the role of this variant in disease. Therefore, it has been classified as a Variant of Uncertain Significance. Algorithms developed to predict the effect of missense changes on protein structure and function are either unavailable or do not agree on the potential impact of this missense change (SIFT: "Deleterious"; PolyPhen-2: "Possibly Damaging"; Align-GVGD: "Class C15"). ClinVar contains an entry for this variant (Variation ID: 1345050). This variant has not been reported in the literature in individuals affected with KIAA1549-related conditions. This variant is present in population databases (rs373881826, gnomAD 0.02%). This sequence change replaces glutamic acid, which is acidic and polar, with lysine, which is basic and polar, at codon 1860 of the KIAA1549 protein (p.Glu1860Lys).